The following is an entry in ClinVar:

NM_001365276.2(TNXB):c.4274T>C (p.Val1425Ala)

Gene: TNXB (tenascin XB; minus strand). Cytogenetic location: 6p21.33.
Variant type: single nucleotide variant.
Coding change: c.4274T>C on transcript NM_001365276.2 (MANE Select); coding-DNA position 4274, T replaced by C.
Protein change: p.Val1425Ala; replaces valine 1425 with alanine.
Molecular consequence: missense variant.
Genome position (GRCh38, 1-based): chr6:32,079,134, A>G on the plus strand (T>C on the coding strand, the complement: TNXB is on the minus strand). VCF-style: chr6-32079134-A-G. GRCh37 (hg19) VCF-style: chr6-32046911-A-G.
Other names: c.4274T>C, p.Val1425Ala (NM_019105.8); short protein forms V1425A.
Identifiers: ClinVar variation 1739282 (VCV001739282.2), dbSNP rs1779285537, ClinGen allele CA363428265.

ClinVar aggregate classification (germline): Uncertain significance (1 of 4 stars; one submission).

Conditions:
Cardiovascular phenotype. Identifiers: MedGen CN230736.

Allele frequency attached by ClinVar (database versions not stated): gnomAD exomes below 0.00001; TOPMed below 0.00001; 1000 Genomes Project 30x 0.00016.

Submission:

Ambry Genetics
Classification: Uncertain significance for Cardiovascular phenotype. Last evaluated: 2021-07-12. Review status: criteria provided, single submitter. Criteria: Ambry Variant Classification Scheme 2023. Collection method: clinical testing. Allele origin: germline.
Comment: The p.V1425A variant (also known as c.4274T>C), located in coding exon 10 of the TNXB gene, results from a T to C substitution at nucleotide position 4274. The valine at codon 1425 is replaced by alanine, an amino acid with similar properties. This amino acid position is conserved. In addition, this alteration is predicted to be tolerated by in silico analysis. Since supporting evidence is limited at this time, the clinical significance of this alteration remains unclear.